The following is an entry in ClinVar:

NM_000540.3(RYR1):c.4964G>A (p.Arg1655His)

Gene: RYR1 (ryanodine receptor 1; plus strand). Cytogenetic location: 19q13.2.
Variant type: single nucleotide variant.
Coding change: c.4964G>A on transcript NM_000540.3 (MANE Select); coding-DNA position 4964, G replaced by A.
Protein change: p.Arg1655His; replaces arginine 1655 with histidine.
Molecular consequence: missense variant.
Genome position (GRCh38, 1-based): chr19:38,485,619, G>A. VCF-style: chr19-38485619-G-A. GRCh37 (hg19) VCF-style: chr19-38976259-G-A.
Other names: c.4964G>A, p.Arg1655His (NM_001042723.2); short protein forms R1655H.
Identifiers: ClinVar variation 4756651 (VCV004756651.1).

ClinVar aggregate classification (germline): Uncertain significance (1 of 4 stars; one submission).

Conditions:
Malignant hyperthermia, susceptibility to, 1 (MHS1). Also called: RYR1-Related Malignant Hyperthermia Susceptibility; Malignant hyperthermia suceptibility 1; Anesthesia related hyperthermia; Malignant hyperpyrexia; Fulminating hyperpyrexia; Pharmacogenic myopathy. Identifiers: Orphanet 423, MedGen C2930980, MONDO:0007783, OMIM 145600.

gnomAD v4.1: 5 of 1,609,738 alleles (0.00031%); highest among the groups gnomAD compares: Middle Eastern, 0.035%; no homozygotes.

Submission:

Color Diagnostics, LLC DBA Color Health
Classification: Uncertain significance for Malignant hyperthermia, susceptibility to, 1. Last evaluated: 2025-07-07. Review status: criteria provided, single submitter. Criteria: ACMG Guidelines, 2015. Collection method: clinical testing. Allele origin: germline.
Comment: This missense variant replaces arginine with histidine at codon 1655 of the RYR1 protein. Computational prediction suggests that this variant may not impact protein structure and function. To our knowledge, functional studies have not been reported for this variant. This variant has not been reported in individuals affected with RYR1-related disorders in the literature. This variant has been identified in 1/245508 chromosomes in the general population by the Genome Aggregation Database (gnomAD). The available evidence is insufficient to determine the role of this variant in disease conclusively. Therefore, this variant is classified as a Variant of Uncertain Significance.